The following is an entry in ClinVar:

NM_006439.5(MAB21L2):c.672G>C (p.Ser224=)

Genes: LRBA (LPS responsive beige-like anchor protein; minus strand), MAB21L2 (mab-21 like 2; plus strand). Cytogenetic location: 4q31.3.
Variant type: single nucleotide variant.
Coding change: c.672G>C on transcript NM_006439.5 (MANE Select); coding-DNA position 672, G replaced by C.
Protein change: p.Ser224=; no amino-acid change (serine 224 retained).
Molecular consequence: synonymous variant. On other transcripts: intron variant (6).
Genome position (GRCh38, 1-based): chr4:150,583,701, G>C. VCF-style: chr4-150583701-G-C. GRCh37 (hg19) VCF-style: chr4-151504853-G-C.
Other names: c.6330+4347C>G (NM_001367550.1, NM_001199282.3, NM_001364905.1 and 1 more transcripts); c.6363+4347C>G (NM_006726.5, NM_001440430.1).
Identifiers: ClinVar variation 4806469 (VCV004806469.1).
Genomic context (GRCh38, chr4:150,583,701, plus strand): 5'-GGCCGAAGGGTTCAACTTGCTCTCGAAGGAGTGCTACTCGCTGACCGGCAAGCAGAGCTC[G>C]GCAGAGAGCGACGCCTGGGTGCTACAGTTCGGGGAGGCGGAGAACCGCCTGCTGATGGGC-3'
Protein context (NP_006430.1, residues 214-234): ECYSLTGKQS[Ser224=]AESDAWVLQF

ClinVar aggregate classification (germline): Uncertain significance (1 of 4 stars; one submission).

gnomAD v4.1: 9 of 1,613,378 alleles (0.00056%); highest among the groups gnomAD compares: Admixed American, 0.0033%; no homozygotes.

Submission:

Labcorp Genetics (formerly Invitae), Labcorp
Classification: Uncertain significance. Last evaluated: 2025-07-21. Review status: criteria provided, single submitter. Criteria: Invitae Variant Classification Sherloc (09022015). Collection method: clinical testing. Allele origin: germline.
Comment: This sequence change affects codon 224 of the MAB21L2 mRNA. It is a 'silent' change, meaning that it does not change the encoded amino acid sequence of the MAB21L2 protein. This variant is present in population databases (no rsID available, gnomAD 0.1%). This variant has not been reported in the literature in individuals affected with MAB21L2-related conditions. In summary, the available evidence is currently insufficient to determine the role of this variant in disease. Therefore, it has been classified as a Variant of Uncertain Significance.